The following is an entry in ClinVar:

NM_001130009.3(GEN1):c.1657A>G (p.Ile553Val)

Gene: GEN1 (GEN1 structure-specific endonuclease; plus strand). Cytogenetic location: 2p24.2.
Variant type: single nucleotide variant.
Coding change: c.1657A>G on transcript NM_001130009.3 (MANE Select); coding-DNA position 1657, A replaced by G.
Protein change: p.Ile553Val; replaces isoleucine 553 with valine.
Molecular consequence: missense variant.
Genome position (GRCh38, 1-based): chr2:17,780,869, A>G. VCF-style: chr2-17780869-A-G. GRCh37 (hg19) VCF-style: chr2-17962136-A-G.
Other names: c.1657A>G, p.Ile553Val (NM_182625.5); short protein forms I553V.
Identifiers: ClinVar variation 2181513 (VCV002181513.4), dbSNP rs1298992321, ClinGen allele CA345926341.

ClinVar aggregate classification (germline): Uncertain significance (1 of 4 stars; one submission).

Allele frequency attached by ClinVar (database versions not stated): gnomAD exomes below 0.00001; TOPMed below 0.00001.
gnomAD v4.1: 6 of 1,613,948 alleles (0.00037%); highest among the groups gnomAD compares: East Asian, 0.013%; no homozygotes.

Submission:

Labcorp Genetics (formerly Invitae), Labcorp
Classification: Uncertain significance. Last evaluated: 2022-12-21. Review status: criteria provided, single submitter. Criteria: Invitae Variant Classification Sherloc (09022015). Collection method: clinical testing. Allele origin: germline.
Comment: In summary, the available evidence is currently insufficient to determine the role of this variant in disease. Therefore, it has been classified as a Variant of Uncertain Significance. Algorithms developed to predict the effect of missense changes on protein structure and function output the following: SIFT: "Tolerated"; PolyPhen-2: "Benign"; Align-GVGD: "Class C0". The valine amino acid residue is found in multiple mammalian species, which suggests that this missense change does not adversely affect protein function. This variant has not been reported in the literature in individuals affected with GEN1-related conditions. This variant is not present in population databases (gnomAD no frequency). This sequence change replaces isoleucine, which is neutral and non-polar, with valine, which is neutral and non-polar, at codon 553 of the GEN1 protein (p.Ile553Val).